The following is an entry in ClinVar:

ClinVar aggregate classification (germline): drug response (0 of 4 stars; one submission).

Conditions:
Corticosteroids response. Also called: Corticosteroid response.

Allele frequency attached by ClinVar (database versions not stated): ExAC 0.00001; gnomAD 0.00001 and 0.00002; gnomAD exomes 0.00001; ESP Exome Variant Server 0.00008.
gnomAD v4.1: 22 of 1,613,384 alleles (0.0014%); highest among the groups gnomAD compares: South Asian, 0.0022%; no homozygotes.

Submission:

Genetic Testing Lab, Ashok and Rita Patel Institute of Integrated Study and Research in Biotechnology and Allied Sciences
Classification: drug response for Corticosteroid response. Last evaluated: 2020-01-12. Review status: no assertion criteria provided. Collection method: research. Allele origin: somatic. Affected: yes. Observed: 27 variant alleles.
Comment: Depending upon response to standard corticosteroid therapy, patients were classified to be either Steroid resistant (SRNS) or steroid sensitive (SSNS). Patients in remission within 4 weeks of corticosteroid therapy were classified as steroid sensitive nephrotic syndrome (SSNS). Patients not in remission within 4 weeks of corticosteroid therapy were classified as Steroid resistant nephrotic syndrome (SRNS).

NM_004924.6(ACTN4):c.1480C>T (p.Arg494Trp)

Gene: ACTN4 (actinin alpha 4; plus strand). Cytogenetic location: 19q13.2.
Variant type: single nucleotide variant.
Coding change: c.1480C>T on transcript NM_004924.6 (MANE Select); coding-DNA position 1480, C replaced by T.
Protein change: p.Arg494Trp; replaces arginine 494 with tryptophan.
Molecular consequence: missense variant.
Genome position (GRCh38, 1-based): chr19:38,723,651, C>T. VCF-style: chr19-38723651-C-T. GRCh37 (hg19) VCF-style: chr19-39214291-C-T.
Other names: c.1480C>T, p.Arg494Trp (NM_001322033.2); short protein forms R494W.
Identifiers: ClinVar variation 981938 (VCV000981938.2), dbSNP rs148781306, ClinGen allele CA9417685.
Genomic context (GRCh38, chr19:38,723,651, plus strand): 5'-ATTGCTCTCTGCCCGGCCCGCAGCGAGCTGGATTACTACGACTCCCACAATGTCAACACC[C>T]GGTGCCAGAAGATCTGTGACCAGTGGGACGCCCTCGGCTCTCTGACACATAGTCGCAGGG-3'
Protein context (NP_004915.2, residues 484-504): DYYDSHNVNT[Arg494Trp]CQKICDQWDA